The following is an entry in ClinVar:

ClinVar aggregate classification (germline): Uncertain significance (1 of 4 stars; one submission).

Submission:

Labcorp Genetics (formerly Invitae), Labcorp
Classification: Uncertain significance. Last evaluated: 2025-06-12. Review status: criteria provided, single submitter. Criteria: Invitae Variant Classification Sherloc (09022015). Collection method: clinical testing. Allele origin: germline.
Comment: This sequence change replaces valine, which is neutral and non-polar, with alanine, which is neutral and non-polar, at codon 10 of the ASAH1 protein (p.Val10Ala). This variant is not present in population databases (gnomAD no frequency). This variant has not been reported in the literature in individuals affected with ASAH1-related conditions. An algorithm developed to predict the effect of missense changes on protein structure and function (PolyPhen-2) suggests that this variant is likely to be tolerated. In summary, the available evidence is currently insufficient to determine the role of this variant in disease. Therefore, it has been classified as a Variant of Uncertain Significance.

NM_177924.5(ASAH1):c.29T>C (p.Val10Ala)

Genes: ASAH1 (N-acylsphingosine amidohydrolase 1; minus strand), LOC129999940 (ATAC-STARR-seq lymphoblastoid silent region 18966; plus strand). Cytogenetic location: 8p22.
Variant type: single nucleotide variant.
Coding change: c.29T>C on transcript NM_177924.5 (MANE Select); coding-DNA position 29, T replaced by C.
Protein change: p.Val10Ala; replaces valine 10 with alanine.
Molecular consequence: missense variant. On other transcripts: non-coding transcript variant (1), intron variant (2).
Genome position (GRCh38, 1-based): chr8:18,084,030, A>G on the plus strand (T>C on the coding strand, the complement: ASAH1 is on the minus strand). VCF-style: chr8-18084030-A-G. GRCh37 (hg19) VCF-style: chr8-17941539-A-G.
Other names: c.126+646T>C (NM_004315.6, NM_001127505.3); short protein forms V10A.
Identifiers: ClinVar variation 4764788 (VCV004764788.1).